The following is an entry in ClinVar:

ClinVar aggregate classification (germline): Uncertain significance (1 of 4 stars; one submission).

Conditions:
Autosomal dominant slowed nerve conduction velocity. Identifiers: Orphanet 140481, MedGen C1842357, MONDO:0011998, OMIM 608236.

Submission:

Baylor Genetics
Classification: Uncertain significance for Autosomal dominant slowed nerve conduction velocity. Last evaluated: 2019-05-30. Review status: criteria provided, single submitter. Criteria: ACMG Guidelines, 2015. Collection method: clinical testing. Allele origin: paternal. Affected: yes.
Comment: This variant was determined to be of uncertain significance according to ACMG Guidelines, 2015 [PMID:25741868]. Although defects in ARHGEF10 have not been fully established to be linked with diseases, reports have associated variants in this gene with chemotherapy induced peripheral neuropathy [PMID: 25164601] and Charcot-Marie-Tooth disease [PMID: 25025039,29653320]

Literature cited by the submitters: PubMed 25164601; PubMed 25025039; PubMed 29653320.

NM_014629.4(ARHGEF10):c.1343A>G (p.Glu448Gly)

Gene: ARHGEF10 (Rho guanine nucleotide exchange factor 10; plus strand). Cytogenetic location: 8p23.3.
Variant type: single nucleotide variant.
Coding change: c.1343A>G on transcript NM_014629.4 (MANE Select); coding-DNA position 1343, A replaced by G.
Protein change: p.Glu448Gly; replaces glutamic acid 448 with glycine.
Molecular consequence: missense variant.
Genome position (GRCh38, 1-based): chr8:1,894,475, A>G. VCF-style: chr8-1894475-A-G. GRCh37 (hg19) VCF-style: chr8-1842641-A-G.
Other names: c.1229A>G, p.Glu410Gly (NM_001308152.2); c.1346A>G, p.Glu449Gly (NM_001308153.3); short protein forms E410G, E473G, E448G, E449G.
Identifiers: ClinVar variation 1029283 (VCV001029283.1), dbSNP rs1809808538, ClinGen allele CA369959276.